The following is an entry in ClinVar:

NM_144691.4(CAPN12):c.1406A>G (p.His469Arg)

Genes: CAPN12 (calpain 12; minus strand), LOC130064372 (ATAC-STARR-seq lymphoblastoid silent region 10581; plus strand). Cytogenetic location: 19q13.2.
Variant type: single nucleotide variant.
Coding change: c.1406A>G on transcript NM_144691.4 (MANE Select); coding-DNA position 1406, A replaced by G.
Protein change: p.His469Arg; replaces histidine 469 with arginine.
Molecular consequence: missense variant.
Genome position (GRCh38, 1-based): chr19:38,736,287, T>C on the plus strand (A>G on the coding strand, the complement: CAPN12 is on the minus strand). VCF-style: chr19-38736287-T-C. GRCh37 (hg19) VCF-style: chr19-39226927-T-C.
Other names: short protein forms H469R.
Identifiers: ClinVar variation 1267731 (VCV001267731.5), dbSNP rs62120074, ClinGen allele CA9418721.

ClinVar aggregate classification (germline): Benign. Review status: criteria provided, multiple submitters, no conflicts (2 of 4 stars). 3 submissions from 3 submitters: Benign (2). 1 of the submissions does not count toward it. Last evaluated 2018-07-09.

Conditions:
CAPN12-related disorder. Also called: CAPN12-related condition.

Allele frequency attached by ClinVar (database versions not stated): ESP Exome Variant Server 0.03223; gnomAD 0.05553 and 0.05737; TOPMed 0.05934; gnomAD exomes 0.06586 and 0.06921; 1000 Genomes Project 0.06889; 1000 Genomes Project 30x 0.06964; ExAC 0.13211.
gnomAD v4.1: 93,793 of 1,444,352 alleles (6.5%); highest among the groups gnomAD compares: South Asian, 10%; 3,335 homozygotes.

Submissions (3):

GeneDx
Classification: Benign. Last evaluated: 2018-07-09. Review status: criteria provided, single submitter. Criteria: GeneDx Variant Classification Process June 2021. Collection method: clinical testing. Allele origin: germline. Affected: yes.

Breakthrough Genomics
Classification: Benign. Review status: criteria provided, single submitter. Criteria: ACMG Guidelines, 2015. Collection method: not provided. Allele origin: germline. Inheritance: Unknown mechanism. Affected: yes.

PreventionGenetics, part of Exact Sciences
Classification: Benign for CAPN12-related condition. Last evaluated: 2019-12-18. Review status: no assertion criteria provided. Collection method: clinical testing. Allele origin: germline. Not counted in ClinVar's aggregate classification.
Comment: This variant is classified as benign based on ACMG/AMP sequence variant interpretation guidelines (Richards et al. 2015 PMID: 25741868, with internal and published modifications).